The following is an entry in ClinVar:

ClinVar aggregate classification (germline): Pathogenic. Review status: criteria provided, multiple submitters, no conflicts (2 of 4 stars). 2 submissions from 2 submitters: Pathogenic (2). Last evaluated 2022-08-21.

Conditions:
Neurofibromatosis, type 1 (NF1). Also called: NEUROFIBROMATOSIS, TYPE I, SOMATIC; Neurofibromatosis, type I; Peripheral type neurofibromatosis; VON RECKLINGHAUSEN DISEASE. Identifiers: Orphanet 636, MedGen C0027831, MONDO:0018975, OMIM 162200. Disease mechanism: loss of function.
Neurofibromatosis, familial spinal (FSNF). Identifiers: Orphanet 636, MedGen C1834235, MONDO:0008078, OMIM 162210. Disease mechanism: loss of function.
Neurofibromatosis-Noonan syndrome (NFNS). Also called: NEUROFIBROMATOSIS WITH NOONAN PHENOTYPE. Identifiers: Orphanet 638, MedGen C2931482, MONDO:0011035, OMIM 601321. Disease mechanism: loss of function.
Café-au-lait macules with pulmonary stenosis (WTSN). Also called: PULMONIC STENOSIS WITH CAFE-AU-LAIT SPOTS. Identifiers: MedGen C0553586, MONDO:0008672, OMIM 193520.
Juvenile myelomonocytic leukemia (JMML). Also called: LEUKEMIA, JUVENILE MYELOMONOCYTIC, SOMATIC. Identifiers: Orphanet 86834, MedGen C0349639, MONDO:0011908, OMIM 607785, HP:0012209.

Submissions (2):

Labcorp Genetics (formerly Invitae), Labcorp
Classification: Pathogenic for Neurofibromatosis, type 1. Last evaluated: 2022-08-21. Review status: criteria provided, single submitter. Criteria: Invitae Variant Classification Sherloc (09022015). Collection method: clinical testing. Allele origin: germline.
Comment: This variant has not been reported in the literature in individuals affected with NF1-related conditions. This variant is not present in population databases (gnomAD no frequency). This sequence change creates a premature translational stop signal (p.Asp378*) in the NF1 gene. It is expected to result in an absent or disrupted protein product. Loss-of-function variants in NF1 are known to be pathogenic (PMID: 10712197, 23913538). For these reasons, this variant has been classified as Pathogenic.

Juno Genomics, Hangzhou Juno Genomics, Inc
Classification: Pathogenic for Juvenile myelomonocytic leukemia; Neurofibromatosis, familial spinal; Neurofibromatosis, type 1; Neurofibromatosis-Noonan syndrome; Café-au-lait macules with pulmonary stenosis. Review status: criteria provided, single submitter. Criteria: ACMG Guidelines, 2015. Collection method: clinical testing. Allele origin: germline. Affected: yes.
Comment: Absent from controls (or at extremely low frequency if recessive) in Genome Aggregation Database, Exome Sequencing Project, 1000 Genomes Project, or Exome Aggregation Consortium.;Null variant in a gene where loss of function (LOF) is a known mechanism of disease.;Patient's phenotype or family history is highly specific for a disease with a single genetic etiology.

Literature cited by the submitters: PubMed 10712197 (cited by Labcorp Genetics (formerly Invitae), Labcorp); PubMed 23913538 (cited by Labcorp Genetics (formerly Invitae), Labcorp).

NM_001042492.3(NF1):c.1131dup (p.Asp378Ter)

Gene: NF1 (neurofibromin 1; plus strand). Cytogenetic location: 17q11.2.
Variant type: Duplication.
Coding change: c.1131dup on transcript NM_001042492.3 (MANE Select); coding-DNA position 1131, one base duplicated (T; older notation c.1131dupT).
Protein change: p.Asp378Ter; replaces aspartic acid 378 with a stop codon.
Molecular consequence: nonsense. On other transcripts: frameshift variant (1).
Genome position (GRCh38, 1-based): chr17:31,201,105, T duplicated; the last of 2 consecutive T bases (chr17:31,201,104-31,201,105); duplicating either gives the same sequence. VCF-style (leftmost placement, unchanged base first): chr17-31201103-A-AT. GRCh37 (hg19) VCF-style: chr17-29528121-A-AT.
Other names: c.1131dup, p.Asp378Terfs (NM_000267.4); c.1131dup, p.Asp378Ter (NM_001128147.3); short protein forms D378*.
Identifiers: ClinVar variation 2025724 (VCV002025724.6), dbSNP rs2544797164, ClinGen allele CA2580092917.